The following is an entry in ClinVar:

ClinVar aggregate classification (germline): Uncertain significance. Review status: criteria provided, multiple submitters, no conflicts (2 of 4 stars). 3 submissions from 3 submitters: Uncertain significance (3). Last evaluated 2026-02-24.

Conditions:
Glycogen storage disease, type II (IOPD). Also called: GSD II; Pompe Disease; CARDIOMEGALIA GLYCOGENICA DIFFUSA; GLYCOGENOSIS, GENERALIZED, CARDIAC FORM; Glycogen storage disease type 2; Acid maltase deficiency disease. Identifiers: Orphanet 365, MedGen C0017921, MONDO:0009290, OMIM 232300.

Allele frequency attached by ClinVar (database versions not stated): gnomAD 0.00001.
gnomAD v4.1: 1 of 1,609,590 alleles (0.000062%); highest among the groups gnomAD compares: African/African-American, 0.0013%; no homozygotes.

Submissions (3):

GeneDx
Classification: Uncertain significance. Last evaluated: 2026-02-24. Review status: criteria provided, single submitter. Criteria: GeneDx Variant Classification Process June 2021. Collection method: clinical testing. Allele origin: germline.
Comment: Not observed at significant frequency in large population cohorts (gnomAD); In silico analysis supports that this missense variant has a deleterious effect on protein structure/function; Has not been previously published as pathogenic or benign to our knowledge; This variant is associated with the following publications: (PMID: 19343043, 22253258)

Revvity Omics, Revvity
Classification: Uncertain significance. Last evaluated: 2025-07-15. Review status: criteria provided, single submitter. Criteria: ACMG Guidelines, 2015. Collection method: clinical testing. Allele origin: germline.

Labcorp Genetics (formerly Invitae), Labcorp
Classification: Uncertain significance for Glycogen storage disease, type II. Last evaluated: 2025-03-05. Review status: criteria provided, single submitter. Criteria: Invitae Variant Classification Sherloc (09022015). Collection method: clinical testing. Allele origin: germline.
Comment: This sequence change replaces leucine, which is neutral and non-polar, with proline, which is neutral and non-polar, at codon 624 of the GAA protein (p.Leu624Pro). This variant is not present in population databases (gnomAD no frequency). This variant has not been reported in the literature in individuals affected with GAA-related conditions. ClinVar contains an entry for this variant (Variation ID: 842389). Invitae Evidence Modeling of protein sequence and biophysical properties (such as structural, functional, and spatial information, amino acid conservation, physicochemical variation, residue mobility, and thermodynamic stability) indicates that this missense variant is expected to disrupt GAA protein function with a positive predictive value of 95%. In summary, the available evidence is currently insufficient to determine the role of this variant in disease. Therefore, it has been classified as a Variant of Uncertain Significance.

NM_000152.5(GAA):c.1871T>C (p.Leu624Pro)

Gene: GAA (alpha glucosidase; plus strand). Cytogenetic location: 17q25.3.
Variant type: single nucleotide variant.
Coding change: c.1871T>C on transcript NM_000152.5 (MANE Select); coding-DNA position 1871, T replaced by C.
Protein change: p.Leu624Pro; replaces leucine 624 with proline.
Molecular consequence: missense variant.
Genome position (GRCh38, 1-based): chr17:80,112,694, T>C. VCF-style: chr17-80112694-T-C. GRCh37 (hg19) VCF-style: chr17-78086493-T-C.
Other names: c.1871T>C, p.Leu624Pro (NM_001079803.3, NM_001079804.3); short protein forms L624P.
Identifiers: ClinVar variation 842389 (VCV000842389.11), dbSNP rs2039267331, ClinGen allele CA401369727.